The following is an entry in ClinVar:

NM_004369.4(COL6A3):c.5452G>A (p.Asp1818Asn)

Gene: COL6A3 (collagen type VI alpha 3 chain; minus strand). Cytogenetic location: 2q37.3.
Variant type: single nucleotide variant.
Coding change: c.5452G>A on transcript NM_004369.4 (MANE Select); coding-DNA position 5452, G replaced by A.
Protein change: p.Asp1818Asn; replaces aspartic acid 1818 with asparagine.
Molecular consequence: missense variant.
Genome position (GRCh38, 1-based): chr2:237,366,735, C>T on the plus strand (G>A on the coding strand, the complement: COL6A3 is on the minus strand). VCF-style: chr2-237366735-C-T. GRCh37 (hg19) VCF-style: chr2-238275378-C-T.
Other names: c.3631G>A, p.Asp1211Asn (NM_057166.5); c.4834G>A, p.Asp1612Asn (NM_057167.4); short protein forms D1612N, D1818N, D1211N.
Identifiers: ClinVar variation 2052682 (VCV002052682.7), dbSNP rs757551254, ClinGen allele CA67814186.
Genomic context (GRCh38, chr2:237,366,735, plus strand): 5'-AATGGGAGTTACCTTTGGCAGCATCAGTTACACCAGGGCAAAGGGTTTCATGCATCGCAT[C>T]ATGCAAAGTTTCCAAAACTTGCTCGCTCAGTTCGGACAGCTCCTGGACGTTGCCCACGCG-3'
Protein context (NP_004360.2, residues 1808-1828): LSEQVLETLH[Asp1818Asn]AMHETLCPGV

ClinVar aggregate classification (germline): Uncertain significance. Review status: criteria provided, multiple submitters, no conflicts (2 of 4 stars). 2 submissions from 2 submitters: Uncertain significance (2). Last evaluated 2022-07-06.

Conditions:
Bethlem myopathy 1A. Also called: MYOPATHY, BENIGN CONGENITAL, WITH CONTRACTURES; Bethlem Muscular Dystrophy; Bethlem myopathy 1. Identifiers: Orphanet 610, MedGen CN029274, MONDO:0024530, OMIM 158810.

Allele frequency attached by ClinVar (database versions not stated): gnomAD exomes 0.00001; TOPMed 0.00001; gnomAD 0.00002.
gnomAD v4.1: 17 of 1,614,162 alleles (0.0011%); highest among the groups gnomAD compares: Admixed American, 0.0017%; no homozygotes.

Submissions (2):

Labcorp Genetics (formerly Invitae), Labcorp
Classification: Uncertain significance for Bethlem myopathy 1A. Last evaluated: 2022-07-06. Review status: criteria provided, single submitter. Criteria: Invitae Variant Classification Sherloc (09022015). Collection method: clinical testing. Allele origin: germline.
Comment: In summary, the available evidence is currently insufficient to determine the role of this variant in disease. Therefore, it has been classified as a Variant of Uncertain Significance. Advanced modeling of protein sequence and biophysical properties (such as structural, functional, and spatial information, amino acid conservation, physicochemical variation, residue mobility, and thermodynamic stability) performed at Invitae indicates that this missense variant is not expected to disrupt COL6A3 protein function. This variant has not been reported in the literature in individuals affected with COL6A3-related conditions. This variant is not present in population databases (gnomAD no frequency). This sequence change replaces aspartic acid, which is acidic and polar, with asparagine, which is neutral and polar, at codon 1818 of the COL6A3 protein (p.Asp1818Asn).

Revvity Omics, Revvity
Classification: Uncertain significance. Last evaluated: 2020-02-19. Review status: criteria provided, single submitter. Criteria: ACMG Guidelines, 2015. Collection method: clinical testing. Allele origin: germline.